The following is an entry in ClinVar:

NM_001367624.2(ZNF469):c.4719_4722del (p.Gln1574fs)

Gene: ZNF469 (zinc finger protein 469; plus strand). Cytogenetic location: 16q24.2.
Variant type: Deletion.
Coding change: c.4719_4722del on transcript NM_001367624.2 (MANE Select); coding-DNA positions 4719 to 4722, 4 bases deleted (TCAG; older notation c.4719_4722delTCAG).
Protein change: p.Gln1574fs; shifts the reading frame from glutamine 1574.
Molecular consequence: frameshift variant.
Genome position (GRCh38, 1-based): chr16:88,432,189-88,432,192, TCAG deleted; deleting any 4 consecutive bases within chr16:88,432,187-88,432,192 gives the same sequence; the c. name uses the placement nearest the transcript's 3' end. VCF-style (leftmost placement, unchanged base first): chr16-88432186-AAGTC-A. GRCh37 (hg19) VCF-style: chr16-88498594-AAGTC-A.
Other names: short protein forms Q1574fs.
Identifiers: ClinVar variation 2084926 (VCV002084926.4), dbSNP rs2507588380, ClinGen allele CA2580092228.

ClinVar aggregate classification (germline): Pathogenic (1 of 4 stars; one submission).

Submission:

Labcorp Genetics (formerly Invitae), Labcorp
Classification: Pathogenic. Last evaluated: 2022-01-16. Review status: criteria provided, single submitter. Criteria: Invitae Variant Classification Sherloc (09022015). Collection method: clinical testing. Allele origin: germline.
Comment: This variant disrupts a region of the ZNF469 protein in which other variant(s) (p.Glu2944Glyfs*50) have been determined to be pathogenic (PMID: 23010198). This suggests that this is a clinically significant region of the protein, and that variants that disrupt it are likely to be disease-causing. For these reasons, this variant has been classified as Pathogenic. This variant has not been reported in the literature in individuals affected with ZNF469-related conditions. This sequence change creates a premature translational stop signal (p.Gln1546Cysfs*164) in the ZNF469 gene. While this is not anticipated to result in nonsense mediated decay, it is expected to disrupt the last 2380 amino acid(s) of the ZNF469 protein. This variant is not present in population databases (gnomAD no frequency).

Literature cited by the submitters: PubMed 23010198.